The following is an entry in ClinVar:

NM_004260.4(RECQL4):c.2885G>A (p.Arg962Lys)

Gene: RECQL4 (RecQ like helicase 4; minus strand). Cytogenetic location: 8q24.3.
Variant type: single nucleotide variant.
Coding change: c.2885G>A on transcript NM_004260.4 (MANE Select); coding-DNA position 2885, G replaced by A.
Protein change: p.Arg962Lys; replaces arginine 962 with lysine.
Molecular consequence: missense variant.
Genome position (GRCh38, 1-based): chr8:144,512,642, C>T on the plus strand (G>A on the coding strand, the complement: RECQL4 is on the minus strand). VCF-style: chr8-144512642-C-T. GRCh37 (hg19) VCF-style: chr8-145738025-C-T.
Other names: short protein forms R962K.
Identifiers: ClinVar variation 528963 (VCV000528963.7), dbSNP rs577462627, ClinGen allele CA187680798.

ClinVar aggregate classification (germline): Uncertain significance (1 of 4 stars; one submission).

Conditions:
Baller-Gerold syndrome (BGS). Also called: CRANIOSYNOSTOSIS WITH RADIAL DEFECTS. Identifiers: Orphanet 1225, MedGen C0265308, MONDO:0009039, OMIM 218600.

Allele frequency attached by ClinVar (database versions not stated): gnomAD exomes below 0.00001; TOPMed below 0.00001.
gnomAD v4.1: 10 of 1,611,868 alleles (0.00062%); highest among the groups gnomAD compares: African/African-American, 0.0053%; no homozygotes.

Submission:

Labcorp Genetics (formerly Invitae), Labcorp
Classification: Uncertain significance for Baller-Gerold syndrome. Last evaluated: 2025-07-31. Review status: criteria provided, single submitter. Criteria: Invitae Variant Classification Sherloc (09022015). Collection method: clinical testing. Allele origin: germline.
Comment: This sequence change replaces arginine, which is basic and polar, with lysine, which is basic and polar, at codon 962 of the RECQL4 protein (p.Arg962Lys). This variant also falls at the last nucleotide of exon 16, which is part of the consensus splice site for this exon. This variant is not present in population databases (gnomAD no frequency). This variant has not been reported in the literature in individuals affected with RECQL4-related conditions. ClinVar contains an entry for this variant (Variation ID: 528963). An algorithm developed to predict the effect of missense changes on protein structure and function outputs the following: PolyPhen-2: "Not Available". The lysine amino acid residue is found in multiple mammalian species, which suggests that this missense change does not adversely affect protein function. Variants that disrupt the consensus splice site are a relatively common cause of aberrant splicing (PMID: 17576681, 9536098). In summary, the available evidence is currently insufficient to determine the role of this variant in disease. Therefore, it has been classified as a Variant of Uncertain Significance.

Literature cited by the submitters: PubMed 17576681; PubMed 9536098.